The following is an entry in ClinVar:

NM_006514.4(SCN10A):c.5105T>C (p.Phe1702Ser)

Gene: SCN10A (sodium voltage-gated channel alpha subunit 10; minus strand). Cytogenetic location: 3p22.2.
Variant type: single nucleotide variant.
Coding change: c.5105T>C on transcript NM_006514.4 (MANE Select); coding-DNA position 5105, T replaced by C.
Protein change: p.Phe1702Ser; replaces phenylalanine 1702 with serine.
Molecular consequence: missense variant.
Genome position (GRCh38, 1-based): chr3:38,698,115, A>G on the plus strand (T>C on the coding strand, the complement: SCN10A is on the minus strand). VCF-style: chr3-38698115-A-G. GRCh37 (hg19) VCF-style: chr3-38739606-A-G.
Other names: c.5102T>C, p.Phe1701Ser (NM_001293306.2); c.4811T>C, p.Phe1604Ser (NM_001293307.2); short protein forms F1604S, F1701S, F1702S.
Identifiers: ClinVar variation 3665692 (VCV003665692.2).
Genomic context (GRCh38, chr3:38,698,115, plus strand): 5'-AGAATCACTGCAATGTACATGTTGACCATGATGAGGAAGGAGATGATGATGTAGGTGGTG[A>G]AGAAGATGATGCCTACGGCTGGGCTCCCACAGTCCCCTCTGGTGCCATTGCTGTTGGGCA-3'
Protein context (NP_006505.4, residues 1692-1712): CGSPAVGIIF[Phe1702Ser]TTYIIISFLI

ClinVar aggregate classification (germline): Uncertain significance (1 of 4 stars; one submission).

Conditions:
Brugada syndrome. Also called: Sudden unexpected nocturnal death syndrome; Sudden unexplained nocturnal death syndrome; Sudden Unexplained Death Syndrome; Sudden Unexplained Nocturnal Death Syndrome (SUNDS). Identifiers: Orphanet 130, MedGen C1142166, MONDO:0015263.

Submission:

Labcorp Genetics (formerly Invitae), Labcorp
Classification: Uncertain significance for Brugada syndrome. Last evaluated: 2024-12-12. Review status: criteria provided, single submitter. Criteria: Invitae Variant Classification Sherloc (09022015). Collection method: clinical testing. Allele origin: germline.
Comment: This sequence change replaces phenylalanine, which is neutral and non-polar, with serine, which is neutral and polar, at codon 1702 of the SCN10A protein (p.Phe1702Ser). This variant is not present in population databases (gnomAD no frequency). This variant has not been reported in the literature in individuals affected with SCN10A-related conditions. Invitae Evidence Modeling of protein sequence and biophysical properties (such as structural, functional, and spatial information, amino acid conservation, physicochemical variation, residue mobility, and thermodynamic stability) indicates that this missense variant is expected to disrupt SCN10A protein function with a positive predictive value of 80%. In summary, the available evidence is currently insufficient to determine the role of this variant in disease. Therefore, it has been classified as a Variant of Uncertain Significance.